The following is an entry in ClinVar:

NM_145207.3(AFG2A):c.644A>G (p.Gln215Arg)

Gene: AFG2A (AFG2 AAA ATPase homolog A; plus strand). Cytogenetic location: 4q28.1.
Variant type: single nucleotide variant.
Coding change: c.644A>G on transcript NM_145207.3 (MANE Select); coding-DNA position 644, A replaced by G.
Protein change: p.Gln215Arg; replaces glutamine 215 with arginine.
Molecular consequence: missense variant.
Genome position (GRCh38, 1-based): chr4:122,934,235, A>G. VCF-style: chr4-122934235-A-G. GRCh37 (hg19) VCF-style: chr4-123855390-A-G.
Other names: c.641A>G, p.Gln214Arg (NM_001317799.2, NM_001345856.2); short protein forms Q214R, Q215R.
Identifiers: ClinVar variation 1001029 (VCV001001029.2), dbSNP rs1019930983, ClinGen allele CA104812986.

ClinVar aggregate classification (germline): Uncertain significance (1 of 4 stars; one submission).

Conditions:
Microcephaly-intellectual disability-sensorineural hearing loss-epilepsy-abnormal muscle tone syndrome (NEDHSB). Also called: NEURODEVELOPMENTAL DISORDER WITH HEARING LOSS, SEIZURES, AND BRAIN ABNORMALITIES. Identifiers: Orphanet 457351, MedGen C4225276, MONDO:0014698, OMIM 616577.

Allele frequency attached by ClinVar (database versions not stated): gnomAD exomes 0.00001; gnomAD 0.00002; TOPMed 0.00003.
gnomAD v4.1: 12 of 1,614,066 alleles (0.00074%); highest among the groups gnomAD compares: African/African-American, 0.015%; no homozygotes.

Submission:

Labcorp Genetics (formerly Invitae), Labcorp
Classification: Uncertain significance for Microcephaly-intellectual disability-sensorineural hearing loss-epilepsy-abnormal muscle tone syndrome. Last evaluated: 2022-10-17. Review status: criteria provided, single submitter. Criteria: Invitae Variant Classification Sherloc (09022015). Collection method: clinical testing. Allele origin: germline.
Comment: This sequence change replaces glutamine, which is neutral and polar, with arginine, which is basic and polar, at codon 215 of the SPATA5 protein (p.Gln215Arg). This variant is present in population databases (no rsID available, gnomAD 0.01%). This variant has not been reported in the literature in individuals affected with SPATA5-related conditions. ClinVar contains an entry for this variant (Variation ID: 1001029). Advanced modeling of protein sequence and biophysical properties (such as structural, functional, and spatial information, amino acid conservation, physicochemical variation, residue mobility, and thermodynamic stability) performed at Invitae indicates that this missense variant is not expected to disrupt SPATA5 protein function. In summary, the available evidence is currently insufficient to determine the role of this variant in disease. Therefore, it has been classified as a Variant of Uncertain Significance.